The following is an entry in ClinVar:

ClinVar aggregate classification (germline): Uncertain significance (1 of 4 stars; one submission).

Submission:

Ambry Genetics
Classification: Uncertain significance. Last evaluated: 2025-05-16. Review status: criteria provided, single submitter. Criteria: Ambry Variant Classification Scheme 2023. Collection method: clinical testing. Allele origin: germline.
Comment: The p.V136F variant (also known as c.406G>T), located in coding exon 4 of the RECQL gene, results from a G to T substitution at nucleotide position 406. The valine at codon 136 is replaced by phenylalanine, an amino acid with highly similar properties. This amino acid position is conserved. In addition, this alteration is predicted to be deleterious by in silico analysis. Based on the available evidence, the clinical significance of this variant remains unclear.

NM_002907.4(RECQL):c.406G>T (p.Val136Phe)

Gene: RECQL (RecQ like helicase; minus strand). Cytogenetic location: 12p12.1.
Variant type: single nucleotide variant.
Coding change: c.406G>T on transcript NM_002907.4 (MANE Select); coding-DNA position 406, G replaced by T.
Protein change: p.Val136Phe; replaces valine 136 with phenylalanine.
Molecular consequence: missense variant.
Genome position (GRCh38, 1-based): chr12:21,486,574, C>A on the plus strand (G>T on the coding strand, the complement: RECQL is on the minus strand). VCF-style: chr12-21486574-C-A. GRCh37 (hg19) VCF-style: chr12-21639508-C-A.
Other names: c.406G>T, p.Val136Phe (NM_032941.3); short protein forms V136F.
Identifiers: ClinVar variation 3944220 (VCV003944220.1).